The following is an entry in ClinVar:

NM_000065.5(C6):c.2747C>G (p.Thr916Ser)

Gene: C6 (complement C6; minus strand). Cytogenetic location: 5p13.1.
Variant type: single nucleotide variant.
Coding change: c.2747C>G on transcript NM_000065.5 (MANE Select); coding-DNA position 2747, C replaced by G.
Protein change: p.Thr916Ser; replaces threonine 916 with serine.
Molecular consequence: missense variant.
Genome position (GRCh38, 1-based): chr5:41,142,883, G>C on the plus strand (C>G on the coding strand, the complement: C6 is on the minus strand). VCF-style: chr5-41142883-G-C. GRCh37 (hg19) VCF-style: chr5-41142985-G-C.
Other names: c.2747C>G, p.Thr916Ser (NM_001115131.4); short protein forms T916S.
Identifiers: ClinVar variation 3690654 (VCV003690654.2).
Genomic context (GRCh38, chr5:41,142,883, plus strand): 5'-TGCTAGGCCAAACACTTTCCAGGATGCAGTATTTCCATCTTCCTGTTTGCACATCTTATA[G>C]TTCCCACTTCACAGATGTTCAATGTTTTCTCACTTGTTGATGATCCCATTTTGACACAGT-3'
Protein context (NP_000056.2, residues 906-926): EKTLNICEVG[Thr916Ser]IRCANRKMEI

ClinVar aggregate classification (germline): Uncertain significance (1 of 4 stars; one submission).

gnomAD v4.1: 10 of 1,613,290 alleles (0.00062%); highest among the groups gnomAD compares: African/African-American, 0.004%; no homozygotes.

Submission:

Labcorp Genetics (formerly Invitae), Labcorp
Classification: Uncertain significance. Last evaluated: 2024-09-23. Review status: criteria provided, single submitter. Criteria: Invitae Variant Classification Sherloc (09022015). Collection method: clinical testing. Allele origin: germline.
Comment: This sequence change replaces threonine, which is neutral and polar, with serine, which is neutral and polar, at codon 916 of the C6 protein (p.Thr916Ser). This variant is present in population databases (rs778795072, gnomAD 0.0009%). This variant has not been reported in the literature in individuals affected with C6-related conditions. An algorithm developed to predict the effect of missense changes on protein structure and function (PolyPhen-2) suggests that this variant is likely to be tolerated. In summary, the available evidence is currently insufficient to determine the role of this variant in disease. Therefore, it has been classified as a Variant of Uncertain Significance.